The following is an entry in ClinVar:

ClinVar aggregate classification (germline): Uncertain significance (1 of 4 stars; one submission).

Conditions:
Spondyloepimetaphyseal dysplasia, PAPSS2 type. Also called: SEMD, PAKISTANI TYPE; BRACHYOLMIA TYPE 4 WITH MILD EPIPHYSEAL AND METAPHYSEAL CHANGES; SPONDYLODYSPLASIA AND PREMATURE PUBARCHE. Identifiers: Orphanet 93282, MedGen C2748516, MONDO:0019666, OMIM 612847.

Submission:

Labcorp Genetics (formerly Invitae), Labcorp
Classification: Uncertain significance for Spondyloepimetaphyseal dysplasia, PAPSS2 type. Last evaluated: 2024-10-08. Review status: criteria provided, single submitter. Criteria: Invitae Variant Classification Sherloc (09022015). Collection method: clinical testing. Allele origin: germline.
Comment: This sequence change replaces aspartic acid, which is acidic and polar, with glutamic acid, which is acidic and polar, at codon 112 of the PAPSS2 protein (p.Asp112Glu). This variant is not present in population databases (gnomAD no frequency). This variant has not been reported in the literature in individuals affected with PAPSS2-related conditions. ClinVar contains an entry for this variant (Variation ID: 1498688). An algorithm developed to predict the effect of missense changes on protein structure and function (PolyPhen-2) suggests that this variant is likely to be disruptive. In summary, the available evidence is currently insufficient to determine the role of this variant in disease. Therefore, it has been classified as a Variant of Uncertain Significance.

NM_001015880.2(PAPSS2):c.336T>A (p.Asp112Glu)

Gene: PAPSS2 (3'-phosphoadenosine 5'-phosphosulfate synthase 2; plus strand). Cytogenetic location: 10q23.31.
Variant type: single nucleotide variant.
Coding change: c.336T>A on transcript NM_001015880.2 (MANE Select); coding-DNA position 336, T replaced by A.
Protein change: p.Asp112Glu; replaces aspartic acid 112 with glutamic acid.
Molecular consequence: missense variant.
Genome position (GRCh38, 1-based): chr10:87,713,265, T>A. VCF-style: chr10-87713265-T-A. GRCh37 (hg19) VCF-style: chr10-89473022-T-A.
Other names: c.336T>A, p.Asp112Glu (NM_004670.4); short protein forms D112E.
Identifiers: ClinVar variation 1498688 (VCV001498688.8), dbSNP rs2131934926, ClinGen allele CA377486913.
Genomic context (GRCh38, chr10:87,713,265, plus strand): 5'-TCCTGGGGACAGAGAGGAAAATATCCGCCGGATTGCTGAGGTGGCTAAGCTGTTTGCTGA[T>A]GCTGGTCTGGTCTGCATTACCAGCTTTATTTCTCCATTCGCAAAGGTAAAAAAAAAAAAA-3'
Protein context (NP_001015880.1, residues 102-122): RIAEVAKLFA[Asp112Glu]AGLVCITSFI